The following is an entry in ClinVar:

NM_176787.5(PIGN):c.1864G>C (p.Gly622Arg)

Gene: PIGN (phosphatidylinositol glycan anchor biosynthesis class N; minus strand). Cytogenetic location: 18q21.33.
Variant type: single nucleotide variant.
Coding change: c.1864G>C on transcript NM_176787.5 (MANE Select); coding-DNA position 1864, G replaced by C.
Protein change: p.Gly622Arg; replaces glycine 622 with arginine.
Molecular consequence: missense variant.
Genome position (GRCh38, 1-based): chr18:62,102,898, C>G on the plus strand (G>C on the coding strand, the complement: PIGN is on the minus strand). VCF-style: chr18-62102898-C-G. GRCh37 (hg19) VCF-style: chr18-59770131-C-G.
Other names: c.1864G>C, p.Gly622Arg (NM_012327.6); short protein forms G622R.
Identifiers: ClinVar variation 1058844 (VCV001058844.9), dbSNP rs751201901, ClinGen allele CA8982149.

ClinVar aggregate classification (germline): Uncertain significance (1 of 4 stars; one submission).

Conditions:
Multiple congenital anomalies-hypotonia-seizures syndrome 1 (MCAHS1). Also called: PIGN-CDG; Congenital disorder of glycosylation due to PIGN deficiency; GLYCOSYLPHOSPHATIDYLINOSITOL BIOSYNTHESIS DEFECT 3. Identifiers: Orphanet 280633, MedGen C3279775, MONDO:0013563, OMIM 614080.

Allele frequency attached by ClinVar (database versions not stated): gnomAD 0.00001; gnomAD exomes 0.00001; ExAC 0.00005.
gnomAD v4.1: 2 of 1,542,626 alleles (0.00013%); highest among the groups gnomAD compares: African/African-American, 0.0028%; no homozygotes.

Submission:

Labcorp Genetics (formerly Invitae), Labcorp
Classification: Uncertain significance for Multiple congenital anomalies-hypotonia-seizures syndrome 1. Last evaluated: 2023-04-14. Review status: criteria provided, single submitter. Criteria: Invitae Variant Classification Sherloc (09022015). Collection method: clinical testing. Allele origin: germline.
Comment: In summary, the available evidence is currently insufficient to determine the role of this variant in disease. Therefore, it has been classified as a Variant of Uncertain Significance. Advanced modeling of protein sequence and biophysical properties (such as structural, functional, and spatial information, amino acid conservation, physicochemical variation, residue mobility, and thermodynamic stability) performed at Invitae indicates that this missense variant is expected to disrupt PIGN protein function. ClinVar contains an entry for this variant (Variation ID: 1058844). This variant has not been reported in the literature in individuals affected with PIGN-related conditions. The frequency data for this variant in the population databases is considered unreliable, as metrics indicate poor data quality at this position in the gnomAD database. This sequence change replaces glycine, which is neutral and non-polar, with arginine, which is basic and polar, at codon 622 of the PIGN protein (p.Gly622Arg).